The following is an entry in ClinVar:

ClinVar aggregate classification (germline): Pathogenic (1 of 4 stars; one submission).

Conditions:
Ehlers-Danlos syndrome, dermatosparaxis type. Also called: EDS VIIC; Dermatosparaxis; Ehlers-Danlos syndrome, type VII, autosomal recessive. Identifiers: Orphanet 1901, MedGen C2700425, MONDO:0009161, OMIM 225410.

Submission:

Myriad Genetics, Inc.
Classification: Pathogenic for Ehlers-Danlos syndrome, dermatosparaxis type. Last evaluated: 2024-03-11. Review status: criteria provided, single submitter. Criteria: Myriad Autosomal Dominant, Autosomal Recessive and X-Linked Classification Criteria (2023). Collection method: clinical testing. Allele origin: unknown.
Comment: NM_014244.4(ADAMTS2):c.424_431del8(E142Hfs*60) is expected to be pathogenic in the context of Ehlers-Danlos syndrome, ADAMTS2-related. This variant is predicted to lead to an abnormal or absent protein product due to the creation of a premature termination codon in ADAMTS2, a gene where loss-of-function variants are known to be pathogenic. Please note: this variant was assessed in the context of healthy population screening.

NM_014244.5(ADAMTS2):c.424_431del (p.Glu142fs)

Gene: ADAMTS2 (ADAM metallopeptidase with thrombospondin type 1 motif 2; minus strand). Cytogenetic location: 5q35.3.
Variant type: Deletion.
Coding change: c.424_431del on transcript NM_014244.5 (MANE Select); coding-DNA positions 424 to 431, 8 bases deleted (GAGAAGGG; older notation c.424_431delGAGAAGGG).
Protein change: p.Glu142fs; shifts the reading frame from glutamic acid 142.
Molecular consequence: frameshift variant.
Genome position (GRCh38, 1-based): chr5:179,343,870-179,343,877, CCCTTCTC deleted on the plus strand (GAGAAGGG on the coding strand, the reverse complement: ADAMTS2 is on the minus strand). VCF-style (leftmost placement, unchanged base first): chr5-179343869-GCCCTTCTC-G. GRCh37 (hg19) VCF-style: chr5-178770870-GCCCTTCTC-G.
Other names: c.424_431del, p.Glu142fs (NM_021599.4); short protein forms E142fs.
Identifiers: ClinVar variation 5012813 (VCV005012813.1).